The following is an entry in ClinVar:

NM_000136.3(FANCC):c.1355_1358delinsGCCA (p.His452_Leu453delinsArgHis)

Genes: AOPEP (aminopeptidase O (putative); plus strand), FANCC (FA complementation group C; minus strand). Cytogenetic location: 9q22.32.
Variant type: Indel.
Coding change: c.1355_1358delinsGCCA on transcript NM_000136.3 (MANE Select); coding-DNA positions 1355 to 1358, ACCT replaced by GCCA.
Protein change: p.His452_Leu453delinsArgHis.
Molecular consequence: missense variant.
Genome position (GRCh38, 1-based): chr9:95,107,241-95,107,244, AGGT replaced by TGGC on the plus strand (ACCT replaced by GCCA on the coding strand, the reverse complement: FANCC is on the minus strand). VCF-style: chr9-95107241-AGGT-TGGC. GRCh37 (hg19) VCF-style: chr9-97869523-AGGT-TGGC.
Other names: c.1355_1358delinsGCCA, p.His452_Leu453delinsArgHis (NM_001243743.2); c.1355_1358delACCTinsGCCA (NM_000136.2).
Identifiers: ClinVar variation 419059 (VCV000419059.2), dbSNP rs1064793615, ClinGen allele CA16618876.

ClinVar aggregate classification (germline): Uncertain significance. Review status: criteria provided, multiple submitters, no conflicts (2 of 4 stars). 2 submissions from 2 submitters: Uncertain significance (2). Last evaluated 2021-07-11.

Conditions:
Fanconi anemia complementation group C (FANCC). Also called: FANCONI PANCYTOPENIA, TYPE 3; FACC; Fanconi anemia, group C; FANCC-Related Fanconi Anemia. Identifiers: Orphanet 84, MedGen C3468041, MONDO:0009213, OMIM 227645.

Submissions (2):

Fulgent Genetics
Classification: Uncertain significance for Fanconi anemia complementation group C. Last evaluated: 2021-07-11. Review status: criteria provided, single submitter. Criteria: ACMG Guidelines, 2015. Collection method: clinical testing. Allele origin: unknown.

GeneDx
Classification: Uncertain significance. Last evaluated: 2015-05-15. Review status: criteria provided, single submitter. Criteria: GeneDx Variant Classification (06012015). Collection method: clinical testing. Allele origin: germline. Affected: yes.
Comment: This variant is denoted FANCC c.1355_1358delACCTinsGCCA at the cDNA level and p.His452_Leu453delinsArgHis (H452_L453delinsRH) at the protein level. The normal sequence, with the bases that are deleted in braces and inserted in brackets, is GGCC[ACCT][GCCA]CCTG. The deletion and insertion results in two amino acid substitutions: His452Arg and Leu453His. Neither this combined variant nor the two missense variants have, to our knowledge, been reported in the literature as pathogenic or benign. FANCC c.1355_1358delACCTinsGCCA was not observed in approximately 6,500 individuals of European and African American ancestry in the NHLBI Exome Sequencing Project, indicating it is not a common benign variant in these populations. This variant occurs in a region which is not conserved and is not located in a known functional domain. Based on currently available information, we consider FANCC c.1355_1358delACCTinsGCCA to be a variant of uncertain significance.